The following is an entry in ClinVar:

NM_001190274.2(FBXO11):c.2688_2699del (p.Asn897_Thr900del)

Genes: FBXO11 (F-box protein 11; minus strand), MSH6 (mutS homolog 6; plus strand). Cytogenetic location: 2p16.3.
Variant type: Deletion.
Coding change: c.2688_2699del on transcript NM_001190274.2 (MANE Select); coding-DNA positions 2688 to 2699, 12 bases deleted (TAATCCTTGTAC).
Protein change: p.Asn897_Thr900del.
Molecular consequence: inframe deletion.
Genome position (GRCh38, 1-based): chr2:47,808,203-47,808,214, GTACAAGGATTA deleted on the plus strand (TAATCCTTGTAC on the coding strand, the reverse complement: FBXO11 is on the minus strand); deleting any 12 consecutive bases within chr2:47,808,203-47,808,215 gives the same sequence; the c. name uses the placement nearest the transcript's 3' end. VCF-style (leftmost placement, unchanged base first): chr2-47808202-TGTACAAGGATTA-T. GRCh37 (hg19) VCF-style: chr2-48035341-TGTACAAGGATTA-T.
Other names: c.2436_2447del, p.Asn813_Thr816del (NM_001374325.1, NM_025133.4).
Identifiers: ClinVar variation 1329942 (VCV001329942.1), dbSNP rs2104611165, ClinGen allele CA2573051981.

ClinVar aggregate classification (germline): Uncertain significance (1 of 4 stars; one submission).

Conditions:
Intellectual developmental disorder with dysmorphic facies and behavioral abnormalities. Identifiers: MedGen C4748135, MONDO:0060760, OMIM 618089.

Submission:

Institute of Human Genetics, University of Leipzig Medical Center
Classification: Uncertain significance for Intellectual developmental disorder with dysmorphic facies and behavioral abnormalities. Last evaluated: 2021-12-06. Review status: criteria provided, single submitter. Criteria: ACMG Guidelines, 2015. Collection method: clinical testing. Allele origin: maternal. Affected: yes.
Comment: Despite strong evidence for its pathogenicity, this variant has to be classified as of unknown significance, according to the ACMG-criteria (Richards et al., 2015)_x000D_ Criteria applied: PM1, PM4, PM2_SUP